The following is an entry in ClinVar:

ClinVar aggregate classification (germline): Conflicting classifications of pathogenicity. Review status: criteria provided, conflicting classifications (1 of 4 stars). 15 submissions from 14 submitters: Uncertain significance (2); Benign (3); Likely benign (7). 3 of the submissions do not count toward it. Last evaluated 2026-01-24.

Conditions:
Hereditary cancer-predisposing syndrome. Also called: Tumor predisposition; Neoplastic Syndromes, Hereditary; Hereditary Cancer Syndrome; Hereditary neoplastic syndrome. Identifiers: Orphanet 140162, MedGen C0027672, MeSH D009386, MONDO:0015356.
Holoprosencephaly 7 (HPE7). Identifiers: Orphanet 2162, MedGen C1835820, MONDO:0012562, OMIM 610828.
Gorlin syndrome. Also called: Nevoid Basal Cell Carcinoma Syndrome; Basal cell nevus syndrome. Identifiers: Orphanet 377, MedGen C0004779, MONDO:0007187.
PTCH1-related disorder. Also called: PTCH1-related disorders; PTCH1-related condition.

Allele frequency attached by ClinVar (database versions not stated): ESP Exome Variant Server 0.00031; TOPMed 0.00037.
gnomAD v4.1: 539 of 1,603,018 alleles (0.034%); highest among the groups gnomAD compares: Non-Finnish European, 0.039%; no homozygotes.

Submissions (15):

Labcorp Genetics (formerly Invitae), Labcorp
Classification: Benign for Gorlin syndrome. Last evaluated: 2026-01-24. Review status: criteria provided, single submitter. Criteria: Invitae Variant Classification Sherloc (09022015). Collection method: clinical testing. Allele origin: germline.

Quest Diagnostics Nichols Institute San Juan Capistrano
Classification: Likely benign. Last evaluated: 2025-08-01. Review status: criteria provided, single submitter. Criteria: Quest Diagnostics criteria. Collection method: clinical testing. Allele origin: unknown.

Center for Genomic Medicine, Rigshospitalet, Copenhagen University Hospital
Classification: Uncertain significance. Last evaluated: 2025-03-04. Review status: criteria provided, single submitter. Criteria: ACMG Guidelines, 2015. Collection method: clinical testing. Allele origin: germline.

Ambry Genetics
Classification: Likely benign for Hereditary cancer-predisposing syndrome. Last evaluated: 2025-02-27. Review status: criteria provided, single submitter. Criteria: Ambry Variant Classification Scheme 2023. Collection method: clinical testing. Allele origin: germline.

Blueprint Genetics
Classification: Likely benign. Last evaluated: 2024-11-08. Review status: criteria provided, single submitter. Criteria: ACMG Guidelines, 2015. Collection method: clinical testing. Allele origin: germline.

ARUP Laboratories, Molecular Genetics and Genomics, ARUP Laboratories
Classification: Likely benign. Last evaluated: 2023-10-04. Review status: criteria provided, single submitter. Criteria: ARUP Molecular Germline Variant Investigation Process 2024. Collection method: clinical testing. Allele origin: germline.

CeGaT Center for Human Genetics Tuebingen
Classification: Likely benign. Last evaluated: 2023-04-01. Review status: criteria provided, single submitter. Criteria: CeGaT Center For Human Genetics Tuebingen Variant Classification Criteria Version 2. Collection method: clinical testing. Allele origin: germline. Affected: yes. Observed: 2 variant alleles.
Comment: PTCH1: PP3, BP1, BS1

Sema4
Classification: Benign for Hereditary cancer-predisposing syndrome. Last evaluated: 2021-11-18. Review status: criteria provided, single submitter. Criteria: Sema4 Curation Guidelines. Collection method: curation. Allele origin: germline.

Illumina Laboratory Services, Illumina
Classification: Benign for Basal cell nevus syndrome 1. Last evaluated: 2018-01-12. Review status: criteria provided, single submitter. Criteria: ICSL Variant Classification Criteria 13 December 2019. Collection method: clinical testing. Allele origin: germline.
Comment: This variant was observed in the ICSL laboratory as part of a predisposition screen in an ostensibly healthy population. It had not been previously curated by ICSL or reported in the Human Gene Mutation Database (HGMD: prior to June 1st, 2018), and was therefore a candidate for classification through an automated scoring system. Utilizing variant allele frequency, disease prevalence and penetrance estimates, and inheritance mode, an automated score was calculated to assess if this variant is too frequent to cause the disease. Based on the score and internal cut-off values, a variant classified as benign is not then subjected to further curation. The score for this variant resulted in a classification of benign for this disease.

Illumina Laboratory Services, Illumina
Classification: Likely benign for Holoprosencephaly 7. Last evaluated: 2018-01-12. Review status: criteria provided, single submitter. Criteria: ICSL Variant Classification Criteria 13 December 2019. Collection method: clinical testing. Allele origin: germline.
Comment: This variant was observed in the ICSL laboratory as part of a predisposition screen in an ostensibly healthy population. It had not been previously curated by ICSL or reported in the Human Gene Mutation Database (HGMD: prior to June 1st, 2018), and was therefore a candidate for classification through an automated scoring system. Utilizing variant allele frequency, disease prevalence and penetrance estimates, and inheritance mode, an automated score was calculated to assess if this variant is too frequent to cause the disease. Based on the score and internal cut-off values, a variant classified as likely benign is not then subjected to further curation. The score for this variant resulted in a classification of likely benign for this disease.

GeneDx
Classification: Likely benign. Last evaluated: 2017-12-26. Review status: criteria provided, single submitter. Criteria: GeneDx Variant Classification (06012015). Collection method: clinical testing. Allele origin: germline. Affected: yes.
Comment: This variant is considered likely benign or benign based on one or more of the following criteria: it is a conservative change, it occurs at a poorly conserved position in the protein, it is predicted to be benign by multiple in silico algorithms, and/or has population frequency not consistent with disease.

Center for Pediatric Genomic Medicine, Children's Mercy Hospital and Clinics
Classification: Uncertain significance. Last evaluated: 2017-03-10. Review status: criteria provided, single submitter. Criteria: ACMG Guidelines, 2015. Collection method: clinical testing. Allele origin: germline.

PreventionGenetics, part of Exact Sciences
Classification: Likely benign for PTCH1-related condition. Last evaluated: 2022-01-26. Review status: no assertion criteria provided. Collection method: clinical testing. Allele origin: germline. Not counted in ClinVar's aggregate classification.
Comment: This variant is classified as likely benign based on ACMG/AMP sequence variant interpretation guidelines (Richards et al. 2015 PMID: 25741868, with internal and published modifications).

Clinical Genetics DNA and cytogenetics Diagnostics Lab, Erasmus MC, Erasmus Medical Center
Classification: Likely benign. Review status: no assertion criteria provided. Collection method: clinical testing. Allele origin: germline. Affected: yes. Study: VKGL Data-share Consensus. Not counted in ClinVar's aggregate classification.

Genome Diagnostics Laboratory, Amsterdam University Medical Center
Classification: Likely benign. Review status: no assertion criteria provided. Collection method: clinical testing. Allele origin: germline. Affected: yes. Study: VKGL Data-share Consensus. Not counted in ClinVar's aggregate classification.

Literature cited by the submitters: PubMed 33466296 (cited by Quest Diagnostics Nichols Institute San Juan Capistrano); PubMed 34831015 (cited by Quest Diagnostics Nichols Institute San Juan Capistrano).

NM_000264.5(PTCH1):c.113G>T (p.Gly38Val)

Genes: PTCH1 (patched 1; minus strand), LOC130002133 (ATAC-STARR-seq lymphoblastoid silent region 20071; plus strand). Cytogenetic location: 9q22.32.
Variant type: single nucleotide variant.
Coding change: c.113G>T on transcript NM_000264.5 (MANE Select); coding-DNA position 113, G replaced by T.
Protein change: p.Gly38Val; replaces glycine 38 with valine.
Molecular consequence: missense variant. On other transcripts: non-coding transcript variant (1), intron variant (3).
Genome position (GRCh38, 1-based): chr9:95,508,249, C>A on the plus strand (G>T on the coding strand, the complement: PTCH1 is on the minus strand). VCF-style: chr9-95508249-C-A. GRCh37 (hg19) VCF-style: chr9-98270531-C-A.
Other names: c.113G>T, p.Gly38Val (NM_001354918.2); c.199-1650G>T (NM_001083603.3); c.4-1650G>T (NM_001083602.3, NM_001354919.2); short protein forms G38V.
Identifiers: ClinVar variation 188272 (VCV000188272.55), dbSNP rs143494325, ClinGen allele CA334489.